The following is an entry in ClinVar:

ClinVar aggregate classification (germline): Uncertain significance. Review status: criteria provided, multiple submitters, no conflicts (2 of 4 stars). 3 submissions from 3 submitters: Uncertain significance (3). Last evaluated 2025-09-28.

Conditions:
Pierson syndrome. Also called: MICROCORIA-CONGENITAL NEPHROTIC SYNDROME. Identifiers: Orphanet 2670, MedGen C1836876, MONDO:0012184, OMIM 609049.
LAMB2-related infantile-onset nephrotic syndrome. Also called: Nephrotic Syndrome, type 5; NEPHROTIC SYNDROME, TYPE 5, WITHOUT OCULAR ABNORMALITIES; NEPHROTIC SYNDROME, TYPE 5, WITH OCULAR ABNORMALITIES. Identifiers: Orphanet 306507, MedGen C3280113, MONDO:0013621, OMIM 614199.
Inborn genetic diseases. Identifiers: MedGen C0950123, MeSH D030342.

Allele frequency attached by ClinVar (database versions not stated): TOPMed 0.00001.
gnomAD v4.1: 8 of 1,614,108 alleles (0.0005%); highest among the groups gnomAD compares: African/African-American, 0.0027%; no homozygotes.

Submissions (3):

Ambry Genetics
Classification: Uncertain significance for Inborn genetic diseases. Last evaluated: 2025-09-28. Review status: criteria provided, single submitter. Criteria: Ambry Variant Classification Scheme 2023. Collection method: clinical testing. Allele origin: germline.

CeGaT Center for Human Genetics Tuebingen
Classification: Uncertain significance. Last evaluated: 2024-12-01. Review status: criteria provided, single submitter. Criteria: CeGaT Center For Human Genetics Tuebingen Variant Classification Criteria Version 2. Collection method: clinical testing. Allele origin: germline. Affected: yes. Observed: 1 variant allele.
Comment: LAMB2: PM2, BP4

Labcorp Genetics (formerly Invitae), Labcorp
Classification: Uncertain significance for LAMB2-related infantile-onset nephrotic syndrome; Pierson syndrome. Last evaluated: 2022-08-19. Review status: criteria provided, single submitter. Criteria: Invitae Variant Classification Sherloc (09022015). Collection method: clinical testing. Allele origin: germline.
Comment: This sequence change replaces arginine, which is basic and polar, with cysteine, which is neutral and slightly polar, at codon 95 of the LAMB2 protein (p.Arg95Cys). This variant is present in population databases (no rsID available, gnomAD 0.01%). This variant has not been reported in the literature in individuals affected with LAMB2-related conditions. Algorithms developed to predict the effect of missense changes on protein structure and function are either unavailable or do not agree on the potential impact of this missense change (SIFT: "Deleterious"; PolyPhen-2: "Possibly Damaging"; Align-GVGD: "Class C15"). Algorithms developed to predict the effect of sequence changes on RNA splicing suggest that this variant may create or strengthen a splice site. In summary, the available evidence is currently insufficient to determine the role of this variant in disease. Therefore, it has been classified as a Variant of Uncertain Significance.

NM_002292.4(LAMB2):c.283C>T (p.Arg95Cys)

Gene: LAMB2 (laminin subunit beta 2; minus strand). Cytogenetic location: 3p21.31.
Variant type: single nucleotide variant.
Coding change: c.283C>T on transcript NM_002292.4 (MANE Select); coding-DNA position 283, C replaced by T.
Protein change: p.Arg95Cys; replaces arginine 95 with cysteine.
Molecular consequence: missense variant.
Genome position (GRCh38, 1-based): chr3:49,132,372, G>A on the plus strand (C>T on the coding strand, the complement: LAMB2 is on the minus strand). VCF-style: chr3-49132372-G-A. GRCh37 (hg19) VCF-style: chr3-49169805-G-A.
Other names: c.283C>T (NM_002292.3); short protein forms R95C.
Identifiers: ClinVar variation 2176851 (VCV002176851.14), dbSNP rs1054116554, ClinGen allele CA74490069.
Genomic context (GRCh38, chr3:49,132,372, plus strand): 5'-AGCTGGTGACTACATTCTGGATGCGATGGCTGTGTGGGTTGTCTCTAGCAGAGAAGGGGC[G>A]CCGGGAGTCACAAAGGAAGCACTTCTTTTCGTCCTGGGTTGGATGGGGATTAGAATCAGT-3'
Protein context (NP_002283.3, residues 85-105): EKKCFLCDSR[Arg95Cys]PFSARDNPHS